The following is an entry in ClinVar:

ClinVar aggregate classification (germline): Uncertain significance (1 of 4 stars; one submission).

Conditions:
Long QT syndrome (LQTS). Identifiers: MedGen C0023976, MeSH D008133, MONDO:0002442. Disease mechanism: loss of function. Inheritance: Various modes of inheritance.

gnomAD v4.1: 1 of 1,614,080 alleles (0.000062%); highest among the groups gnomAD compares: Non-Finnish European, 0.000085%; no homozygotes.

Submission:

Labcorp Genetics (formerly Invitae), Labcorp
Classification: Uncertain significance for Long QT syndrome. Last evaluated: 2025-01-22. Review status: criteria provided, single submitter. Criteria: Invitae Variant Classification Sherloc (09022015). Collection method: clinical testing. Allele origin: germline.
Comment: This sequence change replaces aspartic acid, which is acidic and polar, with tyrosine, which is neutral and polar, at codon 3272 of the ANK2 protein (p.Asp3272Tyr). This variant is not present in population databases (gnomAD no frequency). This variant has not been reported in the literature in individuals affected with ANK2-related conditions. An algorithm developed to predict the effect of missense changes on protein structure and function (PolyPhen-2) suggests that this variant is likely to be disruptive. In summary, the available evidence is currently insufficient to determine the role of this variant in disease. Therefore, it has been classified as a Variant of Uncertain Significance.

NM_001148.6(ANK2):c.9814G>T (p.Asp3272Tyr)

Gene: ANK2 (ankyrin 2; plus strand). Cytogenetic location: 4q26.
Variant type: single nucleotide variant.
Coding change: c.9814G>T on transcript NM_001148.6 (MANE Select); coding-DNA position 9814, G replaced by T.
Protein change: p.Asp3272Tyr; replaces aspartic acid 3272 with tyrosine.
Molecular consequence: missense variant. On other transcripts: intron variant (68).
Genome position (GRCh38, 1-based): chr4:113,358,432, G>T. VCF-style: chr4-113358432-G-T. GRCh37 (hg19) VCF-style: chr4-114279588-G-T.
Other names: c.4424-2391G>T (NM_001354265.2, NM_001354235.2, NM_001354246.2); c.4325-2391G>T (NM_001354236.2); c.4463-2391G>T (NM_001354232.2); c.4328-2391G>T (NM_001354228.2, NM_001354258.2); c.4265-2391G>T (NM_001354245.2, NM_001354262.2, NM_001354275.2); c.4229-2391G>T (NM_001354268.2); c.4127-2391G>T (NM_001354273.2); c.4427-2391G>T (NM_020977.5); and 35 more; short protein forms D3272Y, D3311Y, D3319Y, D2072Y, D3194Y.
Identifiers: ClinVar variation 3729384 (VCV003729384.2).
Genomic context (GRCh38, chr4:113,358,432, plus strand): 5'-GTACAAGTCCAGTTAGATTTTTCCACACTCACCAGGTCTGTTTATTCAGATAGGGGTGAT[G>T]ATTCTCCCGATTCTTCCCCAGAAGAACAGAAATCAGTAATCGAGATTCCTACTGCACCCA-3'
Protein context (NP_001139.3, residues 3262-3282): TRSVYSDRGD[Asp3272Tyr]SPDSSPEEQK